The following is an entry in ClinVar:

ClinVar aggregate classification (germline): Uncertain significance (1 of 4 stars; one submission).

Allele frequency attached by ClinVar (database versions not stated): TOPMed 0.00001.

Submission:

Labcorp Genetics (formerly Invitae), Labcorp
Classification: Uncertain significance. Last evaluated: 2021-02-25. Review status: criteria provided, single submitter. Criteria: Invitae Variant Classification Sherloc (09022015). Collection method: clinical testing. Allele origin: germline.
Comment: This sequence change replaces threonine with asparagine at codon 654 of the PCARE protein (p.Thr654Asn). The threonine residue is moderately conserved and there is a small physicochemical difference between threonine and asparagine. This variant is not present in population databases (ExAC no frequency). This variant has not been reported in the literature in individuals with PCARE-related conditions. Algorithms developed to predict the effect of missense changes on protein structure and function output the following: SIFT: "Tolerated"; PolyPhen-2: "Benign"; Align-GVGD: "Class C0". The asparagine amino acid residue is found in multiple mammalian species, suggesting that this missense change does not adversely affect protein function. These predictions have not been confirmed by published functional studies and their clinical significance is uncertain. In summary, the available evidence is currently insufficient to determine the role of this variant in disease. Therefore, it has been classified as a Variant of Uncertain Significance.

NM_001029883.3(PCARE):c.1961C>A (p.Thr654Asn)

Gene: PCARE (photoreceptor cilium actin regulator; minus strand). Cytogenetic location: 2p23.2.
Variant type: single nucleotide variant.
Coding change: c.1961C>A on transcript NM_001029883.3 (MANE Select); coding-DNA position 1961, C replaced by A.
Protein change: p.Thr654Asn; replaces threonine 654 with asparagine.
Molecular consequence: missense variant.
Genome position (GRCh38, 1-based): chr2:29,072,301, G>T on the plus strand (C>A on the coding strand, the complement: PCARE is on the minus strand). VCF-style: chr2-29072301-G-T. GRCh37 (hg19) VCF-style: chr2-29295167-G-T.
Other names: short protein forms T654N.
Identifiers: ClinVar variation 1468685 (VCV001468685.8), dbSNP rs1026914983, ClinGen allele CA44641819.